The following is an entry in ClinVar:

NM_001009944.3(PKD1):c.8320C>G (p.Leu2774Val)

Gene: PKD1 (polycystin 1, transient receptor potential channel interacting; minus strand). Cytogenetic location: 16p13.3.
Variant type: single nucleotide variant.
Coding change: c.8320C>G on transcript NM_001009944.3 (MANE Select); coding-DNA position 8320, C replaced by G.
Protein change: p.Leu2774Val; replaces leucine 2774 with valine.
Molecular consequence: missense variant.
Genome position (GRCh38, 1-based): chr16:2,103,737, G>C on the plus strand (C>G on the coding strand, the complement: PKD1 is on the minus strand). VCF-style: chr16-2103737-G-C. GRCh37 (hg19) VCF-style: chr16-2153738-G-C.
Other names: c.8320C>G, p.Leu2774Val (NM_000296.4); short protein forms L2774V.
Identifiers: ClinVar variation 4848176 (VCV004848176.2).

ClinVar aggregate classification (germline): Conflicting classifications of pathogenicity. Review status: criteria provided, conflicting classifications (1 of 4 stars). 2 submissions from 2 submitters: Likely pathogenic (1); Uncertain significance (1). Last evaluated 2026-02-23.

Conditions:
PKD1-related disorder. Also called: PKD1-related condition.

gnomAD v4.1: 4 of 1,610,042 alleles (0.00025%); highest among the groups gnomAD compares: Non-Finnish European, 0.00034%; no homozygotes.

Submissions (2):

Women's Health and Genetics/Laboratory Corporation of America, LabCorp
Classification: Uncertain significance. Last evaluated: 2026-02-23. Review status: criteria provided, single submitter. Criteria: LabCorp Variant Classification Summary - May 2015. Collection method: clinical testing. Allele origin: germline.
Comment: Variant summary: PKD1 c.8320C>G (p.Leu2774Val) results in a conservative amino acid change in the encoded protein sequence. Algorithms developed to predict the effect of missense changes on protein structure and function are either unavailable or do not agree on the potential impact of this missense change. The variant was absent in 246460 control chromosomes. The available data on variant occurrences in the general population are insufficient to allow any conclusion about variant significance. To our knowledge, no occurrence of c.8320C>G in individuals affected with PKD1-related conditions and no experimental evidence demonstrating its impact on protein function have been reported. No submitters have cited clinical-significance assessments for this variant to ClinVar. Based on the evidence outlined above, the variant was classified as uncertain significance.

Blueprint Genetics
Classification: Likely pathogenic for PKD1-related disorders. Last evaluated: 2020-12-07. Review status: criteria provided, single submitter. Criteria: ACMG Guidelines, 2015. Collection method: clinical testing. Allele origin: germline. Affected: yes. Observed: 1 variant allele.